The following is an entry in ClinVar:

NM_001177701.3(IFT27):c.144A>C (p.Thr48=)

Gene: IFT27 (intraflagellar transport 27; minus strand). Cytogenetic location: 22q12.3.
Variant type: single nucleotide variant.
Coding change: c.144A>C on transcript NM_001177701.3 (MANE Select); coding-DNA position 144, A replaced by C.
Protein change: p.Thr48=; no amino-acid change (threonine 48 retained).
Molecular consequence: synonymous variant.
Genome position (GRCh38, 1-based): chr22:36,767,336, T>G on the plus strand (A>C on the coding strand, the complement: IFT27 is on the minus strand). VCF-style: chr22-36767336-T-G. GRCh37 (hg19) VCF-style: chr22-37163380-T-G.
Other names: c.144A>C, p.Thr48= (NM_001363003.2); c.141A>C, p.Thr47= (NM_006860.5).
Identifiers: ClinVar variation 4989581 (VCV004989581.1).

ClinVar aggregate classification (germline): Likely benign (1 of 4 stars; one submission).

Conditions:
IFT27-related disorder. Also called: IFT27-related condition.

gnomAD v4.1: 12 of 1,613,906 alleles (0.00074%); highest among the groups gnomAD compares: Middle Eastern, 0.099%; no homozygotes.

Submission:

PreventionGenetics, part of Exact Sciences
Classification: Likely benign for IFT27-related condition. Last evaluated: 2025-12-23. Review status: criteria provided, single submitter. Criteria: ACMG Guidelines, 2015. Collection method: clinical testing. Allele origin: germline.
Comment: This variant is classified as likely benign based on ACMG/AMP sequence variant interpretation guidelines (Richards et al. 2015 PMID: 25741868, with internal and published modifications).